The following is an entry in ClinVar:

ClinVar aggregate classification (germline): Uncertain significance (1 of 4 stars; one submission).

gnomAD v4.1: 15 of 1,614,010 alleles (0.00093%); highest among the groups gnomAD compares: East Asian, 0.0022%; 1 homozygote.

Submission:

Labcorp Genetics (formerly Invitae), Labcorp
Classification: Uncertain significance. Last evaluated: 2021-08-17. Review status: criteria provided, single submitter. Criteria: Invitae Variant Classification Sherloc (09022015). Collection method: clinical testing. Allele origin: germline.
Comment: In summary, the available evidence is currently insufficient to determine the role of this variant in disease. Therefore, it has been classified as a Variant of Uncertain Significance. Algorithms developed to predict the effect of missense changes on protein structure and function (SIFT, PolyPhen-2, Align-GVGD) all suggest that this variant is likely to be tolerated. This variant has not been reported in the literature in individuals affected with DHX38-related conditions. This variant is not present in population databases (ExAC no frequency). This sequence change replaces arginine with histidine at codon 376 of the DHX38 protein (p.Arg376His). The arginine residue is highly conserved and there is a small physicochemical difference between arginine and histidine.

NM_014003.4(DHX38):c.1127G>A (p.Arg376His)

Gene: DHX38 (DEAH-box helicase 38; plus strand). Cytogenetic location: 16q22.2.
Variant type: single nucleotide variant.
Coding change: c.1127G>A on transcript NM_014003.4 (MANE Select); coding-DNA position 1127, G replaced by A.
Protein change: p.Arg376His; replaces arginine 376 with histidine.
Molecular consequence: missense variant.
Genome position (GRCh38, 1-based): chr16:72,100,446, G>A. VCF-style: chr16-72100446-G-A. GRCh37 (hg19) VCF-style: chr16-72134345-G-A.
Other names: short protein forms R376H.
Identifiers: ClinVar variation 1363853 (VCV001363853.8), dbSNP rs902688833, ClinGen allele CA396705040.